The following is an entry in ClinVar:

NM_006180.6(NTRK2):c.2254G>A (p.Val752Ile)

Gene: NTRK2 (neurotrophic receptor tyrosine kinase 2; plus strand). Cytogenetic location: 9q21.33.
Variant type: single nucleotide variant.
Coding change: c.2254G>A on transcript NM_006180.6 (MANE Select); coding-DNA position 2254, G replaced by A.
Protein change: p.Val752Ile; replaces valine 752 with isoleucine.
Molecular consequence: missense variant.
Genome position (GRCh38, 1-based): chr9:85,020,287, G>A. VCF-style: chr9-85020287-G-A. GRCh37 (hg19) VCF-style: chr9-87635202-G-A.
Other names: c.2206G>A, p.Val736Ile (NM_001018064.3, NM_001369532.1, NM_001369533.1); c.2170G>A, p.Val724Ile (NM_001369534.1); c.1738G>A, p.Val580Ile (NM_001369535.1); c.1786G>A, p.Val596Ile (NM_001369536.1); c.2254G>A (NM_006180.3); short protein forms V580I, V596I, V724I, V736I, V752I.
Identifiers: ClinVar variation 3356913 (VCV003356913.3).
Genomic context (GRCh38, chr9:85,020,287, plus strand): 5'-CCCATTCGCTGGATGCCTCCAGAGAGCATCATGTACAGGAAATTCACGACGGAAAGCGAC[G>A]TCTGGAGCCTGGGGGTCGTGTTGTGGGAGATTTTCACCTATGGCAAACAGCCCTGGTACC-3'
Protein context (NP_006171.2, residues 742-762): MYRKFTTESD[Val752Ile]WSLGVVLWEI

ClinVar aggregate classification (germline): Uncertain significance. Review status: criteria provided, multiple submitters, no conflicts (2 of 4 stars). 2 submissions from 2 submitters: Uncertain significance (2). Last evaluated 2026-03-22.

Conditions:
NTRK2-related disorder. Also called: NTRK2-related condition.

gnomAD v4.1: 6 of 1,614,126 alleles (0.00037%); highest among the groups gnomAD compares: South Asian, 0.0022%; no homozygotes.

Submissions (2):

GeneDx
Classification: Uncertain significance. Last evaluated: 2026-03-22. Review status: criteria provided, single submitter. Criteria: GeneDx Variant Classification Process June 2021. Collection method: clinical testing. Allele origin: germline.
Comment: Not observed at significant frequency in large population cohorts (gnomAD); In silico analysis suggests that this missense variant does not alter protein structure/function; Has not been previously published as pathogenic or benign to our knowledge

PreventionGenetics, part of Exact Sciences
Classification: Uncertain significance for NTRK2-related condition. Last evaluated: 2025-08-05. Review status: criteria provided, single submitter. Criteria: ACMG Guidelines, 2015. Collection method: clinical testing. Allele origin: germline.
Comment: The NTRK2 c.2254G>A variant is predicted to result in the amino acid substitution p.Val752Ile. To our knowledge, this variant has not been reported in the literature. This variant is reported in 0.0033% of alleles in individuals of South Asian descent in gnomAD. At this time, the clinical significance of this variant is uncertain due to the absence of conclusive functional and genetic evidence.